The following is an entry in ClinVar:

ClinVar aggregate classification (germline): Uncertain significance (1 of 4 stars; one submission).

gnomAD v4.1: 1 of 1,613,498 alleles (0.000062%); no homozygotes.

Submission:

Labcorp Genetics (formerly Invitae), Labcorp
Classification: Uncertain significance. Last evaluated: 2021-11-28. Review status: criteria provided, single submitter. Criteria: Invitae Variant Classification Sherloc (09022015). Collection method: clinical testing. Allele origin: germline.
Comment: In summary, the available evidence is currently insufficient to determine the role of this variant in disease. Therefore, it has been classified as a Variant of Uncertain Significance. Algorithms developed to predict the effect of missense changes on protein structure and function output the following: SIFT: "Deleterious"; PolyPhen-2: "Benign"; Align-GVGD: "Class C0". The phenylalanine amino acid residue is found in multiple mammalian species, which suggests that this missense change does not adversely affect protein function. This variant has not been reported in the literature in individuals affected with RHO-related conditions. This variant is not present in population databases (gnomAD no frequency). This sequence change replaces isoleucine, which is neutral and non-polar, with phenylalanine, which is neutral and non-polar, at codon 217 of the RHO protein (p.Ile217Phe).

NM_000539.3(RHO):c.649A>T (p.Ile217Phe)

Gene: RHO (rhodopsin; plus strand). Cytogenetic location: 3q22.1.
Variant type: single nucleotide variant.
Coding change: c.649A>T on transcript NM_000539.3 (MANE Select); coding-DNA position 649, A replaced by T.
Protein change: p.Ile217Phe; replaces isoleucine 217 with phenylalanine.
Molecular consequence: missense variant.
Genome position (GRCh38, 1-based): chr3:129,532,369, A>T. VCF-style: chr3-129532369-A-T. GRCh37 (hg19) VCF-style: chr3-129251212-A-T.
Other names: short protein forms I217F.
Identifiers: ClinVar variation 1442468 (VCV001442468.6), dbSNP rs1299366616, ClinGen allele CA354469962.